The following is an entry in ClinVar:

NM_024741.3(ZNF408):c.826C>T (p.Gln276Ter)

Gene: ZNF408 (zinc finger protein 408; plus strand). Cytogenetic location: 11p11.2.
Variant type: single nucleotide variant.
Coding change: c.826C>T on transcript NM_024741.3 (MANE Select); coding-DNA position 826, C replaced by T.
Protein change: p.Gln276Ter; replaces glutamine 276 with a stop codon.
Molecular consequence: nonsense.
Genome position (GRCh38, 1-based): chr11:46,704,526, C>T. VCF-style: chr11-46704526-C-T. GRCh37 (hg19) VCF-style: chr11-46726076-C-T.
Other names: c.802C>T, p.Gln268Ter (NM_001184751.2); short protein forms Q268*, Q276*.
Identifiers: ClinVar variation 2050561 (VCV002050561.4), dbSNP rs2064735236, ClinGen allele CA380254260.
Genomic context (GRCh38, chr11:46,704,526, plus strand): 5'-CTTCAGGATGGCGACGTGGATGAGGAATGCCCGGCCCAGGCACAGATGCCACCTGAACTT[C>T]AGAGCAATTCGGCTACCCAGCAGGACCCAGATGGCAGTGGAGCCAGTTTCTCATCTTCTG-3'

ClinVar aggregate classification (germline): Uncertain significance (1 of 4 stars; one submission).

Allele frequency attached by ClinVar (database versions not stated): gnomAD exomes below 0.00001.

Submission:

Labcorp Genetics (formerly Invitae), Labcorp
Classification: Uncertain significance. Last evaluated: 2023-12-22. Review status: criteria provided, single submitter. Criteria: Invitae Variant Classification Sherloc (09022015). Collection method: clinical testing. Allele origin: germline.
Comment: This sequence change creates a premature translational stop signal (p.Gln276*) in the ZNF408 gene. While this is not anticipated to result in nonsense mediated decay, it is expected to disrupt the last 445 amino acid(s) of the ZNF408 protein. This variant is not present in population databases (gnomAD no frequency). This variant has not been reported in the literature in individuals affected with ZNF408-related conditions. ClinVar contains an entry for this variant (Variation ID: 2050561). Experimental studies and prediction algorithms are not available or were not evaluated, and the functional significance of this variant is currently unknown. In summary, the available evidence is currently insufficient to determine the role of this variant in disease. Therefore, it has been classified as a Variant of Uncertain Significance.